The following is an entry in ClinVar:

ClinVar aggregate classification (germline): Uncertain significance (1 of 4 stars; one submission).

Submission:

Women's Health and Genetics/Laboratory Corporation of America, LabCorp
Classification: Uncertain significance. Last evaluated: 2026-01-06. Review status: criteria provided, single submitter. Criteria: LabCorp Variant Classification Summary - May 2015. Collection method: clinical testing. Allele origin: germline.
Comment: Variant summary: COL5A2 c.3126T>G alters a conserved nucleotide resulting in a synonymous change. Several computational tools predict a significant impact on normal splicing: Two predict the variant creates a cryptic 5' donor site. However, these predictions have yet to be confirmed by functional studies. The variant was absent in 249204 control chromosomes. The available data on variant occurrences in the general population are insufficient to allow any conclusion about variant significance. To our knowledge, no occurrence of c.3126T>G in individuals affected with COL5A2-related conditions and no experimental evidence demonstrating its impact on protein function have been reported. No submitters have cited clinical-significance assessments for this variant to ClinVar. Based on the evidence outlined above, the variant was classified as uncertain significance.

NM_000393.5(COL5A2):c.3126T>G (p.Pro1042=)

Gene: COL5A2 (collagen type V alpha 2 chain; minus strand). Cytogenetic location: 2q32.2.
Variant type: single nucleotide variant.
Coding change: c.3126T>G on transcript NM_000393.5 (MANE Select); coding-DNA position 3126, T replaced by G.
Protein change: p.Pro1042=; no amino-acid change (proline 1042 retained).
Molecular consequence: synonymous variant.
Genome position (GRCh38, 1-based): chr2:189,049,368, A>C on the plus strand (T>G on the coding strand, the complement: COL5A2 is on the minus strand). VCF-style: chr2-189049368-A-C. GRCh37 (hg19) VCF-style: chr2-189914094-A-C.
Identifiers: ClinVar variation 4689630 (VCV004689630.1).